The following is an entry in ClinVar:

ClinVar aggregate classification (germline): Uncertain significance. Review status: criteria provided, multiple submitters, no conflicts (2 of 4 stars). 2 submissions from 2 submitters: Uncertain significance (2). Last evaluated 2024-12-23.

Allele frequency attached by ClinVar (database versions not stated): gnomAD exomes 0.00003; ExAC 0.00010; gnomAD 0.00003; TOPMed 0.00003; ESP Exome Variant Server 0.00008.
gnomAD v4.1: 54 of 1,613,368 alleles (0.0033%); highest among the groups gnomAD compares: South Asian, 0.027%; no homozygotes.

Submissions (2):

Ambry Genetics
Classification: Uncertain significance. Last evaluated: 2024-12-23. Review status: criteria provided, single submitter. Criteria: Ambry Variant Classification Scheme 2023. Collection method: clinical testing. Allele origin: germline.

Labcorp Genetics (formerly Invitae), Labcorp
Classification: Uncertain significance. Last evaluated: 2022-04-18. Review status: criteria provided, single submitter. Criteria: Invitae Variant Classification Sherloc (09022015). Collection method: clinical testing. Allele origin: germline.
Comment: Algorithms developed to predict the effect of missense changes on protein structure and function (SIFT, PolyPhen-2, Align-GVGD) all suggest that this variant is likely to be disruptive. Algorithms developed to predict the effect of sequence changes on RNA splicing suggest that this variant may disrupt the consensus splice site. In summary, the available evidence is currently insufficient to determine the role of this variant in disease. Therefore, it has been classified as a Variant of Uncertain Significance. This variant has not been reported in the literature in individuals affected with EPHA4-related conditions. This sequence change replaces arginine, which is basic and polar, with glutamine, which is neutral and polar, at codon 486 of the EPHA4 protein (p.Arg486Gln). This variant is present in population databases (rs368046283, gnomAD 0.02%).

NM_004438.5(EPHA4):c.1457G>A (p.Arg486Gln)

Gene: EPHA4 (EPH receptor A4; minus strand). Cytogenetic location: 2q36.1.
Variant type: single nucleotide variant.
Coding change: c.1457G>A on transcript NM_004438.5 (MANE Select); coding-DNA position 1457, G replaced by A.
Protein change: p.Arg486Gln; replaces arginine 486 with glutamine.
Molecular consequence: missense variant.
Genome position (GRCh38, 1-based): chr2:221,456,759, C>T on the plus strand (G>A on the coding strand, the complement: EPHA4 is on the minus strand). VCF-style: chr2-221456759-C-T. GRCh37 (hg19) VCF-style: chr2-222321479-C-T.
Other names: c.1457G>A, p.Arg486Gln (NM_001304536.2, NM_001363748.2); c.1304G>A, p.Arg435Gln (NM_001304537.2); c.1457G>A (NM_004438.3); short protein forms R435Q, R486Q.
Identifiers: ClinVar variation 2076994 (VCV002076994.5), dbSNP rs368046283, ClinGen allele CA2135040.